The following is an entry in ClinVar:

ClinVar aggregate classification (germline): Pathogenic (1 of 4 stars; one submission).

Conditions:
Familial hemophagocytic lymphohistiocytosis 5. Also called: STXBP2-Related Familial Hemophagocytic Lymphohistiocytosis (STXBP2-fHLH). Identifiers: Orphanet 540, MedGen C2751293, MONDO:0013135, OMIM 613101.

Submission:

Labcorp Genetics (formerly Invitae), Labcorp
Classification: Pathogenic for Familial hemophagocytic lymphohistiocytosis 5. Last evaluated: 2023-08-16. Review status: criteria provided, single submitter. Criteria: Invitae Variant Classification Sherloc (09022015). Collection method: clinical testing. Allele origin: germline.
Comment: For these reasons, this variant has been classified as Pathogenic. This variant has not been reported in the literature in individuals affected with STXBP2-related conditions. This variant is not present in population databases (gnomAD no frequency). This sequence change creates a premature translational stop signal (p.Glu221*) in the STXBP2 gene. It is expected to result in an absent or disrupted protein product. Loss-of-function variants in STXBP2 are known to be pathogenic (PMID: 19804848, 22451424).

Literature cited by the submitters: PubMed 19804848; PubMed 22451424.

NM_006949.4(STXBP2):c.661G>T (p.Glu221Ter)

Gene: STXBP2 (syntaxin binding protein 2; plus strand). Cytogenetic location: 19p13.2.
Variant type: single nucleotide variant.
Coding change: c.661G>T on transcript NM_006949.4 (MANE Select); coding-DNA position 661, G replaced by T.
Protein change: p.Glu221Ter; replaces glutamic acid 221 with a stop codon.
Molecular consequence: nonsense. On other transcripts: non-coding transcript variant (1).
Genome position (GRCh38, 1-based): chr19:7,642,116, G>T. VCF-style: chr19-7642116-G-T. GRCh37 (hg19) VCF-style: chr19-7707002-G-T.
Other names: c.652G>T, p.Glu218Ter (NM_001127396.3); c.694G>T, p.Glu232Ter (NM_001272034.2); c.565G>T, p.Glu189Ter (NM_001414484.1); short protein forms E189*, E218*, E221*, E232*.
Identifiers: ClinVar variation 2752778 (VCV002752778.3), dbSNP rs201649843, ClinGen allele CA403158685.